The following is an entry in ClinVar:

ClinVar aggregate classification (germline): Uncertain significance (1 of 4 stars; one submission).

Conditions:
Hereditary cancer-predisposing syndrome. Also called: Neoplastic Syndromes, Hereditary; Tumor predisposition; Hereditary neoplastic syndrome; Hereditary Cancer Syndrome. Identifiers: Orphanet 140162, MedGen C0027672, MeSH D009386, MONDO:0015356.

Submission:

Ambry Genetics
Classification: Uncertain significance for Hereditary cancer-predisposing syndrome. Last evaluated: 2026-08-03. Review status: criteria provided, single submitter. Criteria: Ambry Variant Classification Scheme 2023. Collection method: clinical testing. Allele origin: germline.
Comment: The p.S128T variant (also known as c.383G>C), located in coding exon 2 of the FLCN gene, results from a G to C substitution at nucleotide position 383. The serine at codon 128 is replaced by threonine, an amino acid with similar properties. This amino acid position is conserved. In addition, this alteration is predicted to be deleterious by in silico analysis. Based on the available evidence, the clinical significance of this variant remains unclear.

NM_144997.7(FLCN):c.383G>C (p.Ser128Thr)

Gene: FLCN (folliculin; minus strand). Cytogenetic location: 17p11.2.
Variant type: single nucleotide variant.
Coding change: c.383G>C on transcript NM_144997.7 (MANE Select); coding-DNA position 383, G replaced by C.
Protein change: p.Ser128Thr; replaces serine 128 with threonine.
Molecular consequence: missense variant.
Genome position (GRCh38, 1-based): chr17:17,226,189, C>G on the plus strand (G>C on the coding strand, the complement: FLCN is on the minus strand). VCF-style: chr17-17226189-C-G. GRCh37 (hg19) VCF-style: chr17-17129503-C-G.
Other names: c.383G>C, p.Ser128Thr (NM_001353229.2, NM_001353230.2, NM_001353231.2 and 1 more transcripts); short protein forms S128T.
Identifiers: ClinVar variation 5021865 (VCV005021865.1).